The following is an entry in ClinVar:

ClinVar aggregate classification (germline): Uncertain significance (1 of 4 stars; one submission).

Conditions:
Severe combined immunodeficiency due to DCLRE1C deficiency (RS-SCID). Also called: SCID, AUTOSOMAL RECESSIVE, T CELL-NEGATIVE, B CELL-NEGATIVE, NK CELL-POSITIVE, WITH SENSITIVITY TO IONIZING RADIATION. Identifiers: Orphanet 275, MedGen C1865371, MONDO:0011225, OMIM 602450.

gnomAD v4.1: 9 of 1,614,172 alleles (0.00056%); highest among the groups gnomAD compares: Non-Finnish European, 0.00076%; no homozygotes.

Submission:

Labcorp Genetics (formerly Invitae), Labcorp
Classification: Uncertain significance for Athabaskan severe combined immunodeficiency. Last evaluated: 2022-03-20. Review status: criteria provided, single submitter. Criteria: Invitae Variant Classification Sherloc (09022015). Collection method: clinical testing. Allele origin: germline.
Comment: In summary, the available evidence is currently insufficient to determine the role of this variant in disease. Therefore, it has been classified as a Variant of Uncertain Significance. Algorithms developed to predict the effect of missense changes on protein structure and function (SIFT, PolyPhen-2, Align-GVGD) all suggest that this variant is likely to be tolerated. This variant has not been reported in the literature in individuals affected with DCLRE1C-related conditions. This variant is not present in population databases (gnomAD no frequency). This sequence change replaces histidine, which is basic and polar, with asparagine, which is neutral and polar, at codon 531 of the DCLRE1C protein (p.His531Asn).

NM_001033855.3(DCLRE1C):c.1591C>A (p.His531Asn)

Gene: DCLRE1C (DNA cross-link repair 1C; minus strand). Cytogenetic location: 10p13.
Variant type: single nucleotide variant.
Coding change: c.1591C>A on transcript NM_001033855.3 (MANE Select); coding-DNA position 1591, C replaced by A.
Protein change: p.His531Asn; replaces histidine 531 with asparagine.
Molecular consequence: missense variant. On other transcripts: non-coding transcript variant (4).
Genome position (GRCh38, 1-based): chr10:14,908,896, G>T on the plus strand (C>A on the coding strand, the complement: DCLRE1C is on the minus strand). VCF-style: chr10-14908896-G-T. GRCh37 (hg19) VCF-style: chr10-14950895-G-T.
Other names: c.1231C>A, p.His411Asn (NM_001033857.3, NM_001033858.3, NM_001289077.2 and 2 more transcripts); c.1246C>A, p.His416Asn (NM_001289076.2, NM_001289078.2, NM_001350966.2 and 1 more transcripts); c.1591C>A, p.His531Asn (NM_001350965.2); short protein forms H416N, H411N, H531N.
Identifiers: ClinVar variation 2115038 (VCV002115038.4), dbSNP rs2491627557, ClinGen allele CA376075259.